The following is an entry in ClinVar:

NM_002691.4(POLD1):c.1547C>T (p.Ala516Val)

Gene: POLD1 (DNA polymerase delta 1, catalytic subunit; plus strand). Cytogenetic location: 19q13.33.
Variant type: single nucleotide variant.
Coding change: c.1547C>T on transcript NM_002691.4 (MANE Select); coding-DNA position 1547, C replaced by T.
Protein change: p.Ala516Val; replaces alanine 516 with valine.
Molecular consequence: missense variant. On other transcripts: non-coding transcript variant (1).
Genome position (GRCh38, 1-based): chr19:50,407,035, C>T. VCF-style: chr19-50407035-C-T. GRCh37 (hg19) VCF-style: chr19-50910292-C-T.
Other names: c.1547C>T, p.Ala516Val (NM_001256849.1, NM_001308632.1); c.1547C>T (NM_002691.2); short protein forms A516V.
Identifiers: ClinVar variation 1957789 (VCV001957789.6), dbSNP rs752755096, ClinGen allele CA309601824.

ClinVar aggregate classification (germline): Uncertain significance. Review status: criteria provided, multiple submitters, no conflicts (2 of 4 stars). 2 submissions from 2 submitters: Uncertain significance (2). Last evaluated 2024-09-08.

Conditions:
POLD1-related polyposis and colorectal cancer syndrome (CRCS10). Also called: Colorectal cancer 10; COLORECTAL CANCER, SUSCEPTIBILITY TO, ON CHROMOSOME 19q; Colorectal cancer, susceptibility to, 10. Identifiers: Orphanet 220460, MedGen C2675481, MONDO:0012953, OMIM 612591.
Hereditary cancer-predisposing syndrome. Also called: Tumor predisposition; Hereditary Cancer Syndrome; Hereditary neoplastic syndrome; Neoplastic Syndromes, Hereditary. Identifiers: Orphanet 140162, MedGen C0027672, MeSH D009386, MONDO:0015356.

Submissions (2):

Labcorp Genetics (formerly Invitae), Labcorp
Classification: Uncertain significance for POLD1-related polyposis and colorectal cancer syndrome. Last evaluated: 2024-09-08. Review status: criteria provided, single submitter. Criteria: Invitae Variant Classification Sherloc (09022015). Collection method: clinical testing. Allele origin: germline.
Comment: This sequence change replaces alanine, which is neutral and non-polar, with valine, which is neutral and non-polar, at codon 516 of the POLD1 protein (p.Ala516Val). This variant is not present in population databases (gnomAD no frequency). This variant has not been reported in the literature in individuals affected with POLD1-related conditions. ClinVar contains an entry for this variant (Variation ID: 1957789). Invitae Evidence Modeling of protein sequence and biophysical properties (such as structural, functional, and spatial information, amino acid conservation, physicochemical variation, residue mobility, and thermodynamic stability) indicates that this missense variant is expected to disrupt POLD1 protein function with a positive predictive value of 80%. In summary, the available evidence is currently insufficient to determine the role of this variant in disease. Therefore, it has been classified as a Variant of Uncertain Significance.

Ambry Genetics
Classification: Uncertain significance for Hereditary cancer-predisposing syndrome. Last evaluated: 2024-01-16. Review status: criteria provided, single submitter. Criteria: Ambry Variant Classification Scheme 2023. Collection method: clinical testing. Allele origin: germline.
Comment: The p.A516V variant (also known as c.1547C>T), located in coding exon 12 of the POLD1 gene, results from a C to T substitution at nucleotide position 1547. The alanine at codon 516 is replaced by valine, an amino acid with similar properties. This amino acid position is highly conserved in available vertebrate species. In addition, the in silico prediction for this alteration is inconclusive. Since supporting evidence is limited at this time, the clinical significance of this alteration remains unclear.